The following is an entry in ClinVar:

NM_001903.5(CTNNA1):c.199C>T (p.Gln67Ter)

Gene: CTNNA1 (catenin alpha 1; plus strand). Cytogenetic location: 5q31.2.
Variant type: single nucleotide variant.
Coding change: c.199C>T on transcript NM_001903.5 (MANE Select); coding-DNA position 199, C replaced by T.
Protein change: p.Gln67Ter; replaces glutamine 67 with a stop codon.
Molecular consequence: nonsense. On other transcripts: 5 prime UTR variant (1), intron variant (1).
Genome position (GRCh38, 1-based): chr5:138,783,270, C>T. VCF-style: chr5-138783270-C-T. GRCh37 (hg19) VCF-style: chr5-138118959-C-T.
Other names: c.199C>T, p.Gln67Ter (NM_001290307.3, NM_001323982.2, NM_001323983.1 and 3 more transcripts); c.-8C>T (NM_001290310.3); c.-9+1241C>T (NM_001290309.3); short protein forms Q67*.
Identifiers: ClinVar variation 1352946 (VCV001352946.6), dbSNP rs772061558, ClinGen allele CA361477456.

ClinVar aggregate classification (germline): Pathogenic (1 of 4 stars; one submission).

gnomAD v4.1: 1 of 1,614,072 alleles (0.000062%); highest among the groups gnomAD compares: Non-Finnish European, 0.000085%; no homozygotes.

Submission:

Labcorp Genetics (formerly Invitae), Labcorp
Classification: Pathogenic. Last evaluated: 2023-05-15. Review status: criteria provided, single submitter. Criteria: Invitae Variant Classification Sherloc (09022015). Collection method: clinical testing. Allele origin: germline.
Comment: This variant is not present in population databases (gnomAD no frequency). For these reasons, this variant has been classified as Pathogenic. ClinVar contains an entry for this variant (Variation ID: 1352946). This variant has not been reported in the literature in individuals affected with CTNNA1-related conditions. This sequence change creates a premature translational stop signal (p.Gln67*) in the CTNNA1 gene. It is expected to result in an absent or disrupted protein product. Loss-of-function variants in CTNNA1 are known to be pathogenic (PMID: 32051609, 34425242).

Literature cited by the submitters: PubMed 32051609; PubMed 34425242.